The following is an entry in ClinVar:

NM_001042545.2(LTBP4):c.3470C>T (p.Pro1157Leu)

Gene: LTBP4 (latent transforming growth factor beta binding protein 4; plus strand). Cytogenetic location: 19q13.2.
Variant type: single nucleotide variant.
Coding change: c.3470C>T on transcript NM_001042545.2 (MANE Select); coding-DNA position 3470, C replaced by T.
Protein change: p.Pro1157Leu; replaces proline 1157 with leucine.
Molecular consequence: missense variant.
Genome position (GRCh38, 1-based): chr19:40,622,653, C>T. VCF-style: chr19-40622653-C-T. GRCh37 (hg19) VCF-style: chr19-41128558-C-T.
Other names: c.3671C>T, p.Pro1224Leu (NM_001042544.1); c.3560C>T, p.Pro1187Leu (NM_003573.2); short protein forms P1157L, P1187L, P1224L.
Identifiers: ClinVar variation 1694919 (VCV001694919.32), dbSNP rs755741997, ClinGen allele CA9449008.

ClinVar aggregate classification (germline): Uncertain significance. Review status: criteria provided, multiple submitters, no conflicts (2 of 4 stars). 2 submissions from 2 submitters: Uncertain significance (2). Last evaluated 2022-06-01.

Allele frequency attached by ClinVar (database versions not stated): gnomAD exomes 0.00002; TOPMed 0.00002; ExAC 0.00003; gnomAD 0.00003 and 0.00004.
gnomAD v4.1: 32 of 1,602,722 alleles (0.002%); highest among the groups gnomAD compares: African/African-American, 0.0054%; no homozygotes.

Submissions (2):

CeGaT Center for Human Genetics Tuebingen
Classification: Uncertain significance. Last evaluated: 2022-06-01. Review status: criteria provided, single submitter. Criteria: CeGaT Center For Human Genetics Tuebingen Variant Classification Criteria Version 2. Collection method: clinical testing. Allele origin: germline. Affected: yes. Observed: 1 variant allele.

Labcorp Genetics (formerly Invitae), Labcorp
Classification: Uncertain significance. Last evaluated: 2022-03-04. Review status: criteria provided, single submitter. Criteria: Invitae Variant Classification Sherloc (09022015). Collection method: clinical testing. Allele origin: germline.
Comment: This sequence change replaces proline, which is neutral and non-polar, with leucine, which is neutral and non-polar, at codon 1187 of the LTBP4 protein (p.Pro1187Leu). This variant is present in population databases (rs755741997, gnomAD 0.009%). This variant has not been reported in the literature in individuals affected with LTBP4-related conditions. Experimental studies and prediction algorithms are not available or were not evaluated, and the functional significance of this variant is currently unknown. In summary, the available evidence is currently insufficient to determine the role of this variant in disease. Therefore, it has been classified as a Variant of Uncertain Significance.